The following is an entry in ClinVar:

NM_025137.4(SPG11):c.5599G>A (p.Glu1867Lys)

Gene: SPG11 (SPG11 vesicle trafficking associated, spatacsin; minus strand). Cytogenetic location: 15q21.1.
Variant type: single nucleotide variant.
Coding change: c.5599G>A on transcript NM_025137.4 (MANE Select); coding-DNA position 5599, G replaced by A.
Protein change: p.Glu1867Lys; replaces glutamic acid 1867 with lysine.
Molecular consequence: missense variant.
Genome position (GRCh38, 1-based): chr15:44,584,081, C>T on the plus strand (G>A on the coding strand, the complement: SPG11 is on the minus strand). VCF-style: chr15-44584081-C-T. GRCh37 (hg19) VCF-style: chr15-44876279-C-T.
Other names: c.5599G>A, p.Glu1867Lys (NM_001160227.2); short protein forms E1867K.
Identifiers: ClinVar variation 534857 (VCV000534857.14), dbSNP rs372419484, ClinGen allele CA7534384.

ClinVar aggregate classification (germline): Uncertain significance. Review status: criteria provided, multiple submitters, no conflicts (2 of 4 stars). 6 submissions from 4 submitters: Uncertain significance (6). Last evaluated 2023-06-14.

Conditions:
Inborn genetic diseases. Identifiers: MedGen C0950123, MeSH D030342.
Hereditary spastic paraplegia. Also called: Familial spastic paraparesis. Identifiers: Orphanet 685, MedGen C0037773, MONDO:0019064. Disease mechanism: loss of function.
Hereditary spastic paraplegia 11. Also called: Nakamura Osame syndrome; Autosomal recessive hereditary spastic paraplegia, mental impairment, and thin corpus callosum; Spastic paraplegia, mental retardation and thin corpus callosum; SPASTIC PARAPLEGIA, AUTOSOMAL RECESSIVE, COMPLICATED, WITH THIN CORPUS CALLOSUM; SPASTIC PARAPLEGIA, AUTOSOMAL RECESSIVE, WITH MENTAL IMPAIRMENT AND THIN CORPUS CALLOSUM; Spastic Paraplegia 11. Identifiers: Orphanet 2822, MedGen C1858479, MONDO:0011445, OMIM 604360.
Charcot-Marie-Tooth disease axonal type 2X. Also called: CHARCOT-MARIE-TOOTH DISEASE, AXONAL, AUTOSOMAL RECESSIVE, TYPE 2X; CHARCOT-MARIE-TOOTH NEUROPATHY, TYPE 2X. Identifiers: Orphanet 466775, MedGen C5569024, MONDO:0014726, OMIM 616668.
Amyotrophic lateral sclerosis type 5 (ALS5). Also called: AMYOTROPHIC LATERAL SCLEROSIS 5, JUVENILE. Identifiers: Orphanet 300605, MedGen C1865864, MONDO:0011196, OMIM 602099.

Allele frequency attached by ClinVar (database versions not stated): gnomAD exomes 0.00004 and 0.00007; ExAC 0.00005; gnomAD 0.00007 and 0.00008; TOPMed 0.00010; ESP Exome Variant Server 0.00015.
gnomAD v4.1: 119 of 1,614,106 alleles (0.0074%); highest among the groups gnomAD compares: Non-Finnish European, 0.0089%; no homozygotes.

Submissions (6):

Ambry Genetics
Classification: Uncertain significance for Inborn genetic diseases. Last evaluated: 2023-06-14. Review status: criteria provided, single submitter. Criteria: Ambry Variant Classification Scheme 2023. Collection method: clinical testing. Allele origin: germline.

Labcorp Genetics (formerly Invitae), Labcorp
Classification: Uncertain significance for Hereditary spastic paraplegia 11. Last evaluated: 2022-03-17. Review status: criteria provided, single submitter. Criteria: Invitae Variant Classification Sherloc (09022015). Collection method: clinical testing. Allele origin: germline.
Comment: This sequence change replaces glutamic acid, which is acidic and polar, with lysine, which is basic and polar, at codon 1867 of the SPG11 protein (p.Glu1867Lys). The frequency data for this variant in the population databases is considered unreliable, as metrics indicate poor data quality at this position in the gnomAD database. This variant has not been reported in the literature in individuals affected with SPG11-related conditions. ClinVar contains an entry for this variant (Variation ID: 534857). Algorithms developed to predict the effect of missense changes on protein structure and function (SIFT, PolyPhen-2, Align-GVGD) all suggest that this variant is likely to be tolerated. In summary, the available evidence is currently insufficient to determine the role of this variant in disease. Therefore, it has been classified as a Variant of Uncertain Significance.

Genome Diagnostics Laboratory, The Hospital for Sick Children
Classification: Uncertain significance for Hereditary spastic paraplegia. Last evaluated: 2019-01-01. Review status: criteria provided, single submitter. Criteria: ACMG Guidelines, 2015. Collection method: clinical testing. Allele origin: germline. Affected: yes.

Genome-Nilou Lab
Classification: Uncertain significance for Amyotrophic lateral sclerosis type 5. Review status: criteria provided, single submitter. Criteria: ACMG Guidelines, 2015. Collection method: clinical testing. Allele origin: germline.

Genome-Nilou Lab
Classification: Uncertain significance for Charcot-Marie-Tooth disease axonal type 2X. Review status: criteria provided, single submitter. Criteria: ACMG Guidelines, 2015. Collection method: clinical testing. Allele origin: germline.

Genome-Nilou Lab
Classification: Uncertain significance for Hereditary spastic paraplegia 11. Review status: criteria provided, single submitter. Criteria: ACMG Guidelines, 2015. Collection method: clinical testing. Allele origin: germline.